The following is an entry in ClinVar:

NM_004960.4(FUS):c.336-5C>A

Gene: FUS (FUS RNA binding protein; plus strand). Cytogenetic location: 16p11.2.
Variant type: single nucleotide variant.
Coding change: c.336-5C>A on transcript NM_004960.4 (MANE Select); 5 bases into the intron before coding-DNA position 336, C replaced by A.
Molecular consequence: intron variant.
Genome position (GRCh38, 1-based): chr16:31,184,204, C>A. VCF-style: chr16-31184204-C-A. GRCh37 (hg19) VCF-style: chr16-31195525-C-A.
Other names: c.336-5C>A (NM_001170937.1); c.333-5C>A (NM_001170634.1).
Identifiers: ClinVar variation 2628616 (VCV002628616.1), dbSNP rs967044306, ClinGen allele CA2216942821.
Genomic context (GRCh38, chr16:31,184,204, plus strand): 5'-AAAAGTGAAAGGAAATTGGGGGCTATGCTGGGATTGTGATTGTGTTTTTTGTTTGTTTTC[C>A]CTAGTTACGGTAGCAGTTCTCAGAGCAGCAGCTATGGGCAGCCCCAGAGTGGGAGCTACA-3'

ClinVar aggregate classification (germline): Uncertain significance (1 of 4 stars; one submission).

Conditions:
FUS-related disorder. Also called: FUS-related condition.

Allele frequency attached by ClinVar (database versions not stated): TOPMed below 0.00001.
gnomAD v4.1: 2 of 1,614,066 alleles (0.00012%); highest among the groups gnomAD compares: Non-Finnish European, 0.00017%; no homozygotes.

Submission:

PreventionGenetics, part of Exact Sciences
Classification: Uncertain significance for FUS-related condition. Last evaluated: 2023-02-01. Review status: criteria provided, single submitter. Criteria: ACMG Guidelines, 2015. Collection method: clinical testing. Allele origin: germline.
Comment: The FUS c.336-5C>A variant is predicted to interfere with splicing. To our knowledge, this variant has not been reported in the literature or in a large population database, indicating this variant is rare. At this time, the clinical significance of this variant is uncertain due to the absence of conclusive functional and genetic evidence.